The following is an entry in ClinVar:

NM_015404.4(WHRN):c.1054C>G (p.Leu352Val)

Gene: WHRN (whirlin; minus strand). Cytogenetic location: 9q32.
Variant type: single nucleotide variant.
Coding change: c.1054C>G on transcript NM_015404.4 (MANE Select); coding-DNA position 1054, C replaced by G.
Protein change: p.Leu352Val; replaces leucine 352 with valine.
Molecular consequence: missense variant. On other transcripts: 5 prime UTR variant (1).
Genome position (GRCh38, 1-based): chr9:114,426,323, G>C on the plus strand (C>G on the coding strand, the complement: WHRN is on the minus strand). VCF-style: chr9-114426323-G-C. GRCh37 (hg19) VCF-style: chr9-117188603-G-C.
Other names: c.-96C>G (NM_001083885.3); c.1054C>G, p.Leu352Val (NM_001173425.2); short protein forms L352V.
Identifiers: ClinVar variation 1473259 (VCV001473259.7), dbSNP rs1836855238, ClinGen allele CA374610534.

ClinVar aggregate classification (germline): Uncertain significance (1 of 4 stars; one submission).

Submission:

Labcorp Genetics (formerly Invitae), Labcorp
Classification: Uncertain significance. Last evaluated: 2022-10-17. Review status: criteria provided, single submitter. Criteria: Invitae Variant Classification Sherloc (09022015). Collection method: clinical testing. Allele origin: germline.
Comment: ClinVar contains an entry for this variant (Variation ID: 1473259). In summary, the available evidence is currently insufficient to determine the role of this variant in disease. Therefore, it has been classified as a Variant of Uncertain Significance. Algorithms developed to predict the effect of missense changes on protein structure and function are either unavailable or do not agree on the potential impact of this missense change (SIFT: "Tolerated"; PolyPhen-2: "Probably Damaging"; Align-GVGD: "Class C0"). This variant has not been reported in the literature in individuals affected with WHRN-related conditions. This variant is not present in population databases (gnomAD no frequency). This sequence change replaces leucine, which is neutral and non-polar, with valine, which is neutral and non-polar, at codon 352 of the WHRN protein (p.Leu352Val).